The following is an entry in ClinVar:

ClinVar aggregate classification (germline): Uncertain significance (1 of 4 stars; one submission).

Conditions:
Hereditary cancer-predisposing syndrome. Also called: Tumor predisposition; Neoplastic Syndromes, Hereditary; Hereditary neoplastic syndrome; Hereditary Cancer Syndrome. Identifiers: Orphanet 140162, MedGen C0027672, MeSH D009386, MONDO:0015356.

Submission:

Ambry Genetics
Classification: Uncertain significance for Hereditary cancer-predisposing syndrome. Last evaluated: 2025-08-27. Review status: criteria provided, single submitter. Criteria: Ambry Variant Classification Scheme 2023. Collection method: clinical testing. Allele origin: germline.
Comment: The p.P522H variant (also known as c.1565C>A), located in coding exon 16 of the MUTYH gene, results from a C to A substitution at nucleotide position 1565. The proline at codon 522 is replaced by histidine, an amino acid with similar properties. This amino acid position is conserved. In addition, this alteration is predicted to be tolerated by in silico analysis. Based on the available evidence, the clinical significance of this variant remains unclear.

NM_001048174.2(MUTYH):c.1481C>A (p.Pro494His)

Gene: MUTYH (mutY DNA glycosylase; minus strand). Cytogenetic location: 1p34.1.
Variant type: single nucleotide variant.
Coding change: c.1481C>A on transcript NM_001048174.2 (MANE Select); coding-DNA position 1481, C replaced by A.
Protein change: p.Pro494His; replaces proline 494 with histidine.
Molecular consequence: missense variant. On other transcripts: non-coding transcript variant (7).
Genome position (GRCh38, 1-based): chr1:45,329,391, G>T on the plus strand (C>A on the coding strand, the complement: MUTYH is on the minus strand). VCF-style: chr1-45329391-G-T. GRCh37 (hg19) VCF-style: chr1-45795063-G-T.
Other names: c.1481C>A, p.Pro494His (NM_001048171.2, NM_001048173.2, NM_001293195.2 and 6 more transcripts); c.1484C>A, p.Pro495His (NM_001048172.2, NM_001407086.1, NM_001407071.1 and 1 more transcripts); c.1565C>A, p.Pro522His (NM_001128425.2); c.1526C>A, p.Pro509His (NM_001293190.2); c.1514C>A, p.Pro505His (NM_001293191.2, NM_001407069.1, NM_001407077.1); c.1205C>A, p.Pro402His (NM_001293192.2, NM_001293196.2, NM_001407091.1); c.1136C>A, p.Pro379His (NM_001350650.2, NM_001350651.2, NM_001407082.1); c.1523C>A, p.Pro508His (NM_001407083.1, NM_001407085.1); and 5 more; short protein forms P495H, P522H, P402H, P481H, P501H, P379H, P494H, P509H.
Identifiers: ClinVar variation 4113371 (VCV004113371.1).